The following is an entry in ClinVar:

ClinVar aggregate classification (germline): Benign/Likely benign. Review status: criteria provided, multiple submitters, no conflicts (2 of 4 stars). 3 submissions from 3 submitters: Benign (1); Likely benign (2). Last evaluated 2026-07-10.

Conditions:
Hereditary cancer-predisposing syndrome. Also called: Tumor predisposition; Neoplastic Syndromes, Hereditary; Hereditary Cancer Syndrome; Hereditary neoplastic syndrome. Identifiers: Orphanet 140162, MedGen C0027672, MeSH D009386, MONDO:0015356.
Rhabdoid tumor predisposition syndrome 2 (RTPS2). Identifiers: Orphanet 231108, Orphanet 69077, MedGen C2750074, MONDO:0013224, OMIM 613325.

Allele frequency attached by ClinVar (database versions not stated): gnomAD exomes below 0.00001 and 0.00001; TOPMed 0.00001.
gnomAD v4.1: 3 of 1,614,030 alleles (0.00019%); highest among the groups gnomAD compares: South Asian, 0.0011%; no homozygotes.

Submissions (3):

Myriad Genetics, Inc.
Classification: Benign for Rhabdoid tumor predisposition syndrome 2. Last evaluated: 2026-07-10. Review status: criteria provided, single submitter. Criteria: Myriad Autosomal Dominant, Autosomal Recessive and X-Linked Classification Criteria (2023). Collection method: clinical testing. Allele origin: unknown.
Comment: This variant is considered benign. This variant is a silent/synonymous amino acid change and it is not expected to impact splicing.

Labcorp Genetics (formerly Invitae), Labcorp
Classification: Likely benign for Rhabdoid tumor predisposition syndrome 2. Last evaluated: 2025-07-27. Review status: criteria provided, single submitter. Criteria: Invitae Variant Classification Sherloc (09022015). Collection method: clinical testing. Allele origin: germline.

Ambry Genetics
Classification: Likely benign for Hereditary cancer-predisposing syndrome. Last evaluated: 2015-08-07. Review status: criteria provided, single submitter. Criteria: Ambry Variant Classification Scheme 2023. Collection method: clinical testing. Allele origin: germline.

NM_003072.5(SMARCA4):c.1431T>C (p.Asn477=)

Gene: SMARCA4 (SWI/SNF related BAF chromatin remodeling complex subunit ATPase 4; plus strand). Cytogenetic location: 19p13.2.
Variant type: single nucleotide variant.
Coding change: c.1431T>C on transcript NM_003072.5 (MANE Select); coding-DNA position 1431, T replaced by C.
Protein change: p.Asn477=; no amino-acid change (asparagine 477 retained).
Molecular consequence: synonymous variant. On other transcripts: non-coding transcript variant (1).
Genome position (GRCh38, 1-based): chr19:10,994,839, T>C. VCF-style: chr19-10994839-T-C. GRCh37 (hg19) VCF-style: chr19-11105515-T-C.
Other names: c.1431T>C, p.Asn477= (NM_001128845.2, NM_001128846.2, NM_001128847.4 and 5 more transcripts).
Identifiers: ClinVar variation 484853 (VCV000484853.17), dbSNP rs997330938, ClinGen allele CA305290908.